The following is an entry in ClinVar:

ClinVar aggregate classification (germline): Uncertain significance (1 of 4 stars; one submission).

Submission:

Labcorp Genetics (formerly Invitae), Labcorp
Classification: Uncertain significance. Last evaluated: 2025-04-23. Review status: criteria provided, single submitter. Criteria: Invitae Variant Classification Sherloc (09022015). Collection method: clinical testing. Allele origin: germline.
Comment: This sequence change replaces arginine, which is basic and polar, with methionine, which is neutral and non-polar, at codon 1913 of the FLNB protein (p.Arg1913Met). This variant is not present in population databases (gnomAD no frequency). This variant has not been reported in the literature in individuals affected with FLNB-related conditions. ClinVar contains an entry for this variant (Variation ID: 3681063). Invitae Evidence Modeling of protein sequence and biophysical properties (such as structural, functional, and spatial information, amino acid conservation, physicochemical variation, residue mobility, and thermodynamic stability) indicates that this missense variant is not expected to disrupt FLNB protein function with a negative predictive value of 95%. In summary, the available evidence is currently insufficient to determine the role of this variant in disease. Therefore, it has been classified as a Variant of Uncertain Significance.

NM_001457.4(FLNB):c.5738G>T (p.Arg1913Met)

Gene: FLNB (filamin B; plus strand). Cytogenetic location: 3p14.3.
Variant type: single nucleotide variant.
Coding change: c.5738G>T on transcript NM_001457.4 (MANE Select); coding-DNA position 5738, G replaced by T.
Protein change: p.Arg1913Met; replaces arginine 1913 with methionine.
Molecular consequence: missense variant.
Genome position (GRCh38, 1-based): chr3:58,148,215, G>T. VCF-style: chr3-58148215-G-T. GRCh37 (hg19) VCF-style: chr3-58133942-G-T.
Other names: c.5831G>T, p.Arg1944Met (NM_001164317.2); c.5705G>T, p.Arg1902Met (NM_001164318.2); c.5666G>T, p.Arg1889Met (NM_001164319.2); short protein forms R1902M, R1913M, R1889M, R1944M.
Identifiers: ClinVar variation 3681063 (VCV003681063.2).